The following is an entry in ClinVar:

NM_001198950.3(MYO16):c.1248+7A>G

Gene: MYO16 (myosin XVI; plus strand). Cytogenetic location: 13q33.3.
Variant type: single nucleotide variant.
Coding change: c.1248+7A>G on transcript NM_001198950.3 (MANE Select); 7 bases into the intron after coding-DNA position 1248, A replaced by G.
Molecular consequence: intron variant.
Genome position (GRCh38, 1-based): chr13:108,844,500, A>G. VCF-style: chr13-108844500-A-G. GRCh37 (hg19) VCF-style: chr13-109496848-A-G.
Other names: c.1182+7A>G (NM_015011.3).
Identifiers: ClinVar variation 785449 (VCV000785449.7), dbSNP rs78265045, ClinGen allele CA7044667.

ClinVar aggregate classification (germline): Benign. Review status: criteria provided, multiple submitters, no conflicts (2 of 4 stars). 3 submissions from 3 submitters: Benign (2). 1 of the submissions does not count toward it. Last evaluated 2019-12-31.

Conditions:
MYO16-related disorder. Also called: MYO16-related condition.

Allele frequency attached by ClinVar (database versions not stated): gnomAD 0.03053 and 0.03310; ESP Exome Variant Server 0.03568; 1000 Genomes Project 0.03115; 1000 Genomes Project 30x 0.03310; TOPMed 0.03460.
gnomAD v4.1: 9,186 of 1,599,370 alleles (0.57%); highest among the groups gnomAD compares: African/African-American, 11%; 472 homozygotes.

Submissions (3):

Labcorp Genetics (formerly Invitae), Labcorp
Classification: Benign. Last evaluated: 2019-12-31. Review status: criteria provided, single submitter. Criteria: Invitae Variant Classification Sherloc (09022015). Collection method: clinical testing. Allele origin: germline.

Breakthrough Genomics
Classification: Benign. Review status: criteria provided, single submitter. Criteria: ACMG Guidelines, 2015. Collection method: not provided. Allele origin: germline. Inheritance: Unknown mechanism. Affected: yes.

PreventionGenetics, part of Exact Sciences
Classification: Benign for MYO16-related condition. Last evaluated: 2019-12-24. Review status: no assertion criteria provided. Collection method: clinical testing. Allele origin: germline. Not counted in ClinVar's aggregate classification.
Comment: This variant is classified as benign based on ACMG/AMP sequence variant interpretation guidelines (Richards et al. 2015 PMID: 25741868, with internal and published modifications).